The following is an entry in ClinVar:

NM_000489.6(ATRX):c.2279A>G (p.Asn760Ser)

Gene: ATRX (ATRX chromatin remodeler; minus strand). Cytogenetic location: Xq21.1.
Variant type: single nucleotide variant.
Coding change: c.2279A>G on transcript NM_000489.6 (MANE Select); coding-DNA position 2279, A replaced by G.
Protein change: p.Asn760Ser; replaces asparagine 760 with serine.
Molecular consequence: missense variant.
Genome position (GRCh38, 1-based): chrX:77,682,977, T>C on the plus strand (A>G on the coding strand, the complement: ATRX is on the minus strand). VCF-style: chrX-77682977-T-C. GRCh37 (hg19) VCF-style: chrX-76938469-T-C.
Other names: c.2165A>G, p.Asn722Ser (NM_138270.5); short protein forms N722S, N760S.
Identifiers: ClinVar variation 3708210 (VCV003708210.2).
Genomic context (GRCh38, chrX:77,682,977, plus strand): 5'-TTCCTTTTTCCTTTATCATCTTTCCCCGCCTGAGTCTTTAAATCATACAAAGTCTTATGG[T>C]TTGTATGAATTTCATTAATATCAGTATCTGAAGAAGAACTGTGACTCATCCTGCTCACCT-3'
Protein context (NP_000480.3, residues 750-770): SDTDINEIHT[Asn760Ser]HKTLYDLKTQ

ClinVar aggregate classification (germline): Uncertain significance (1 of 4 stars; one submission).

Conditions:
Alpha thalassemia-X-linked intellectual disability syndrome (ATRX). Also called: ALPHA-THALASSEMIA/MENTAL RETARDATION SYNDROME, X-LINKED; ATR, NONDELETION TYPE; ATR-X syndrome; Alpha thalassemia mental retardation syndrome, nondeletion type, X-linked; XLMR hypotonic face syndrome; X-linked alpha-thalassemia-mental retardation syndrome. Identifiers: Orphanet 847, MedGen C1845055, MONDO:0010519, OMIM 301040.

Submission:

Labcorp Genetics (formerly Invitae), Labcorp
Classification: Uncertain significance for Alpha thalassemia-X-linked intellectual disability syndrome. Last evaluated: 2024-05-28. Review status: criteria provided, single submitter. Criteria: Invitae Variant Classification Sherloc (09022015). Collection method: clinical testing. Allele origin: germline.
Comment: This sequence change replaces asparagine, which is neutral and polar, with serine, which is neutral and polar, at codon 760 of the ATRX protein (p.Asn760Ser). This variant is not present in population databases (gnomAD no frequency). This variant has not been reported in the literature in individuals affected with ATRX-related conditions. Advanced modeling of protein sequence and biophysical properties (such as structural, functional, and spatial information, amino acid conservation, physicochemical variation, residue mobility, and thermodynamic stability) performed at Invitae indicates that this missense variant is not expected to disrupt ATRX protein function with a negative predictive value of 95%. In summary, the available evidence is currently insufficient to determine the role of this variant in disease. Therefore, it has been classified as a Variant of Uncertain Significance.